The following is an entry in ClinVar:

ClinVar aggregate classification (germline): Pathogenic/Likely pathogenic. Review status: criteria provided, multiple submitters, no conflicts (2 of 4 stars). 2 submissions from 2 submitters: Pathogenic (1); Likely pathogenic (1). Last evaluated 2022-08-23.

Conditions:
Familial thoracic aortic aneurysm and aortic dissection (TAAD). Also called: Thoracic aortic aneurysms and dissections. Identifiers: Orphanet 91387, MedGen C4707243, MONDO:0019625.
Marfan syndrome (MFS). Also called: Marfan syndrome type 1; Marfan syndrome, classic; Marfan's syndrome; FBN1-Related Marfan Syndrome; MARFAN SYNDROME, TYPE I. Identifiers: Orphanet 284963, Orphanet 558, MedGen C0024796, MONDO:0007947, OMIM 154700.
Marfan Syndrome/Loeys-Dietz Syndrome/Familial Thoracic Aortic Aneurysms and Dissections. Identifiers: MedGen CN229799.

Submissions (2):

Labcorp Genetics (formerly Invitae), Labcorp
Classification: Pathogenic for Marfan syndrome; Familial thoracic aortic aneurysm and aortic dissection. Last evaluated: 2022-08-23. Review status: criteria provided, single submitter. Criteria: Invitae Variant Classification Sherloc (09022015). Collection method: clinical testing. Allele origin: germline.
Comment: This variant is not present in population databases (gnomAD no frequency). For these reasons, this variant has been classified as Pathogenic. ClinVar contains an entry for this variant (Variation ID: 527202). This variant is also known as c.441delA, p.Gln147*. This premature translational stop signal has been observed in individual(s) with clinical features of Marfan syndrome (PMID: 28941062). This sequence change creates a premature translational stop signal (p.Gln147Hisfs*43) in the FBN1 gene. It is expected to result in an absent or disrupted protein product. Loss-of-function variants in FBN1 are known to be pathogenic (PMID: 17657824, 19293843).

Women's Health and Genetics/Laboratory Corporation of America, LabCorp
Classification: Likely pathogenic for Marfan Syndrome/Loeys-Dietz Syndrome/Familial Thoracic Aortic Aneurysms and Dissections. Last evaluated: 2018-11-05. Review status: criteria provided, single submitter. Criteria: LabCorp Variant Classification Summary - May 2015. Collection method: clinical testing. Allele origin: germline.
Comment: Variant summary: FBN1 c.441delA (p.Gln147HisfsX43) results in a premature termination codon, predicted to cause a truncation of the encoded protein or absence of the protein due to nonsense mediated decay, which are commonly known mechanisms for disease. Truncations downstream of this position have been classified as pathogenic by our laboratory (eg. c.493C>T, p.Arg165X; c.643C>T, p.Arg215X; c.1010dupA, p.Tyr337X). The variant was absent in 245954 control chromosomes (gnomAD). The variant, c.441delA, has been reported in the literature in one individual affected with Marfan Syndrome (Vatti_2017). This report does not provide unequivocal conclusions about association of the variant with Marfan Syndrome. To our knowledge, no experimental evidence demonstrating an impact on protein function has been reported. One clinical diagnostic laboratory has submitted clinical-significance assessments for this variant to ClinVar after 2014 without evidence for independent evaluation and classified the variant as pathogenic. Based on the evidence outlined above, the variant was classified as likely pathogenic

Literature cited by the submitters: PubMed 28941062 (cited by Labcorp Genetics (formerly Invitae), Labcorp and Women's Health and Genetics/Laboratory Corporation of America, LabCorp); PubMed 17657824 (cited by Labcorp Genetics (formerly Invitae), Labcorp); PubMed 19293843 (cited by Labcorp Genetics (formerly Invitae), Labcorp).

NM_000138.5(FBN1):c.441del (p.Gln147fs)

Gene: FBN1 (fibrillin 1; minus strand). Cytogenetic location: 15q21.1.
Variant type: Deletion.
Coding change: c.441del on transcript NM_000138.5 (MANE Select); coding-DNA position 441, one base deleted (A; older notation c.441delA).
Protein change: p.Gln147fs; shifts the reading frame from glutamine 147.
Molecular consequence: frameshift variant.
Genome position (GRCh38, 1-based): chr15:48,600,140, T deleted on the plus strand (A on the coding strand, the reverse complement: FBN1 is on the minus strand); the first of 2 consecutive T bases (chr15:48,600,140-48,600,141); deleting either gives the same sequence. VCF-style (leftmost placement, unchanged base first): chr15-48600139-GT-G. GRCh37 (hg19) VCF-style: chr15-48892336-GT-G.
Other names: c.441delA (NM_000138.4); short protein forms Q147fs.
Identifiers: ClinVar variation 527202 (VCV000527202.9), dbSNP rs1555405028, ClinGen allele CA658798360.